The following is an entry in ClinVar:

ClinVar aggregate classification (germline): Uncertain significance. Review status: criteria provided, multiple submitters, no conflicts (2 of 4 stars). 2 submissions from 2 submitters: Uncertain significance (2). Last evaluated 2024-04-18.

Conditions:
Developmental and epileptic encephalopathy, 9 (DEE9). Also called: Early infantile epileptic encephalopathy 9; PCDH19-Related X-Linked Female-Limited Epilepsy with Mental Retardation; EPILEPSY, FEMALE-RESTRICTED, WITH MENTAL RETARDATION; JUBERG-HELLMAN SYNDROME. Identifiers: Orphanet 101039, Orphanet 2076, MedGen C1848137, MONDO:0010246, OMIM 300088. Disease mechanism: loss of function.

Allele frequency attached by ClinVar (database versions not stated): TOPMed 0.00001.

Submissions (2):

GeneDx
Classification: Uncertain significance. Last evaluated: 2024-04-18. Review status: criteria provided, single submitter. Criteria: GeneDx Variant Classification Process June 2021. Collection method: clinical testing. Allele origin: germline. Affected: yes.
Comment: Not observed at significant frequency in large population cohorts (gnomAD); In silico analysis indicates that this missense variant does not alter protein structure/function; Has not been previously published as pathogenic or benign to our knowledge

Labcorp Genetics (formerly Invitae), Labcorp
Classification: Uncertain significance for Developmental and epileptic encephalopathy, 9. Last evaluated: 2024-04-17. Review status: criteria provided, single submitter. Criteria: Invitae Variant Classification Sherloc (09022015). Collection method: clinical testing. Allele origin: germline.
Comment: This sequence change replaces lysine, which is basic and polar, with glutamic acid, which is acidic and polar, at codon 1141 of the PCDH19 protein (p.Lys1141Glu). This variant is not present in population databases (gnomAD no frequency). This variant has not been reported in the literature in individuals affected with PCDH19-related conditions. ClinVar contains an entry for this variant (Variation ID: 972572). Advanced modeling of protein sequence and biophysical properties (such as structural, functional, and spatial information, amino acid conservation, physicochemical variation, residue mobility, and thermodynamic stability) performed at Invitae indicates that this missense variant is not expected to disrupt PCDH19 protein function with a negative predictive value of 95%. In summary, the available evidence is currently insufficient to determine the role of this variant in disease. Therefore, it has been classified as a Variant of Uncertain Significance.

NM_001184880.2(PCDH19):c.3421A>G (p.Lys1141Glu)

Gene: PCDH19 (protocadherin 19; minus strand). Cytogenetic location: Xq22.1.
Variant type: single nucleotide variant.
Coding change: c.3421A>G on transcript NM_001184880.2 (MANE Select); coding-DNA position 3421, A replaced by G.
Protein change: p.Lys1141Glu; replaces lysine 1141 with glutamic acid.
Molecular consequence: missense variant.
Genome position (GRCh38, 1-based): chrX:100,296,303, T>C on the plus strand (A>G on the coding strand, the complement: PCDH19 is on the minus strand). VCF-style: chrX-100296303-T-C. GRCh37 (hg19) VCF-style: chrX-99551301-T-C.
Other names: c.3280A>G, p.Lys1094Glu (NM_001105243.2); c.3277A>G, p.Lys1093Glu (NM_020766.3); short protein forms K1141E, K1094E, K1093E.
Identifiers: ClinVar variation 972572 (VCV000972572.14), dbSNP rs1456843420, ClinGen allele CA413999356.